The following is an entry in ClinVar:

ClinVar aggregate classification (germline): Uncertain significance. Review status: criteria provided, multiple submitters, no conflicts (2 of 4 stars). 2 submissions from 2 submitters: Uncertain significance (2). Last evaluated 2025-03-17.

Conditions:
Chondrodysplasia punctata, brachytelephalangic, autosomal. Also called: BRACHYTELEPHALANGIC CHONDRODYSPLASIA PUNCTATA. Identifiers: MedGen C1844853, MONDO:0011238, OMIM 602497.

Submissions (2):

Labcorp Genetics (formerly Invitae), Labcorp
Classification: Uncertain significance for Chondrodysplasia punctata, brachytelephalangic, autosomal. Last evaluated: 2025-03-17. Review status: criteria provided, single submitter. Criteria: Invitae Variant Classification Sherloc (09022015). Collection method: clinical testing. Allele origin: germline.
Comment: This sequence change replaces arginine, which is basic and polar, with histidine, which is basic and polar, at codon 190 of the ARSE protein (p.Arg190His). This variant is not present in population databases (gnomAD no frequency). This missense change has been observed in individual(s) with clinical dx of brachytelephalangic chondrodysplasia punctata with maxillonasal hypoplasia, and tracheal stenosis (internal data). ClinVar contains an entry for this variant (Variation ID: 1001354). Invitae Evidence Modeling of protein sequence and biophysical properties (such as structural, functional, and spatial information, amino acid conservation, physicochemical variation, residue mobility, and thermodynamic stability) indicates that this missense variant is not expected to disrupt ARSE protein function with a negative predictive value of 80%. In summary, the available evidence is currently insufficient to determine the role of this variant in disease. Therefore, it has been classified as a Variant of Uncertain Significance.

GeneDx
Classification: Uncertain significance. Last evaluated: 2024-10-03. Review status: criteria provided, single submitter. Criteria: GeneDx Variant Classification Process June 2021. Collection method: clinical testing. Allele origin: germline. Affected: yes.
Comment: Not observed at significant frequency in large population cohorts (gnomAD); In silico analysis indicates that this missense variant does not alter protein structure/function; Has not been previously published as pathogenic or benign to our knowledge

NM_000047.3(ARSL):c.569G>A (p.Arg190His)

Gene: ARSL (arylsulfatase L; minus strand). Cytogenetic location: Xp22.33.
Variant type: single nucleotide variant.
Coding change: c.569G>A on transcript NM_000047.3 (MANE Select); coding-DNA position 569, G replaced by A.
Protein change: p.Arg190His; replaces arginine 190 with histidine.
Molecular consequence: missense variant.
Genome position (GRCh38, 1-based): chrX:2,949,589, C>T on the plus strand (G>A on the coding strand, the complement: ARSL is on the minus strand). VCF-style: chrX-2949589-C-T. GRCh37 (hg19) VCF-style: chrX-2867630-C-T.
Other names: c.569G>A (NM_000047.2); c.644G>A, p.Arg215His (NM_001282628.2, NM_001369080.1); c.407G>A, p.Arg136His (NM_001282631.2); c.596G>A, p.Arg199His (NM_001369079.1); short protein forms R136H, R190H, R199H, R215H.
Identifiers: ClinVar variation 1001354 (VCV001001354.48), dbSNP rs1603462104, ClinGen allele CA412280995.